The following is an entry in ClinVar:

ClinVar aggregate classification (germline): Uncertain significance (1 of 4 stars; one submission).

Conditions:
Perlman syndrome (PRLMNS). Identifiers: Orphanet 2849, MedGen C0796113, MONDO:0009965, OMIM 267000.

Submission:

Labcorp Genetics (formerly Invitae), Labcorp
Classification: Uncertain significance for Perlman syndrome. Last evaluated: 2022-08-31. Review status: criteria provided, single submitter. Criteria: Invitae Variant Classification Sherloc (09022015). Collection method: clinical testing. Allele origin: germline.
Comment: This variant results in a copy number gain of the genomic region encompassing exon(s) 9-21 of the DIS3L2 gene. This region includes the termination codon of the gene. This copy number gain extends beyond the assayed region for this gene and therefore may encompass additional genes. As the precise location of this event is unknown, it may be in tandem or it may be located elsewhere in the genome. This variant has not been reported in the literature in individuals affected with DIS3L2-related conditions. Experimental studies and prediction algorithms are not available or were not evaluated, and the functional significance of this variant is currently unknown. In summary, the available evidence is currently insufficient to determine the role of this variant in disease. Therefore, it has been classified as a Variant of Uncertain Significance.

NC_000002.11:g.(?_233028159)_(233201340_?)dup

Gene: DIS3L2 (DIS3 like 3'-5' exoribonuclease 2; plus strand). Cytogenetic location: 2q37.1.
Variant type: Duplication.
Identifiers: ClinVar variation 1016277 (VCV001016277.2).